The following is an entry in ClinVar:

ClinVar aggregate classification (germline): Likely benign. Review status: criteria provided, multiple submitters, no conflicts (2 of 4 stars). 3 submissions from 3 submitters: Likely benign (3). Last evaluated 2026-01-02.

Submissions (3):

Labcorp Genetics (formerly Invitae), Labcorp
Classification: Likely benign. Last evaluated: 2026-01-02. Review status: criteria provided, single submitter. Criteria: Invitae Variant Classification Sherloc (09022015). Collection method: clinical testing. Allele origin: germline.

Blueprint Genetics
Classification: Likely benign. Last evaluated: 2024-03-19. Review status: criteria provided, single submitter. Criteria: ACMG Guidelines, 2015. Collection method: clinical testing. Allele origin: germline.

GeneDx
Classification: Likely benign. Last evaluated: 2017-10-03. Review status: criteria provided, single submitter. Criteria: GeneDx Variant Classification (06012015). Collection method: clinical testing. Allele origin: germline. Affected: yes.
Comment: This variant is considered likely benign or benign based on one or more of the following criteria: it is a conservative change, it occurs at a poorly conserved position in the protein, it is predicted to be benign by multiple in silico algorithms, and/or has population frequency not consistent with disease.

NM_006996.3(SLC19A2):c.1223+13del

Gene: SLC19A2 (solute carrier family 19 member 2; minus strand). Cytogenetic location: 1q24.2.
Variant type: Deletion.
Coding change: c.1223+13del on transcript NM_006996.3 (MANE Select); 13 bases into the intron after coding-DNA position 1223, one base deleted (G; older notation c.1223+13delG).
Molecular consequence: intron variant.
Genome position (GRCh38, 1-based): chr1:169,468,631, C deleted on the plus strand (G on the coding strand, the reverse complement: SLC19A2 is on the minus strand); the first of 2 consecutive C bases (chr1:169,468,631-169,468,632); deleting either gives the same sequence. VCF-style (leftmost placement, unchanged base first): chr1-169468630-GC-G. GRCh37 (hg19) VCF-style: chr1-169437868-GC-G.
Other names: c.1223+13delG (NM_006996.2); c.620+13del (NM_001319667.1).
Identifiers: ClinVar variation 512306 (VCV000512306.9), dbSNP rs745341264, ClinGen allele CA1232894.
Genomic context (GRCh38, chr1:169,468,630, plus strand): 5'-TTGGTTTGTAAAGAAACCAAAAAATTTATCCTGTTACAATTTTTCCTAAGGCTTCTATGA[GC>G]CAAAATACATACGTTGCTATCGTGATGAGTAACATGTAGATGATTCTGAAGACAACATAG-3'